The following is an entry in ClinVar:

ClinVar aggregate classification (germline): Conflicting classifications of pathogenicity. Review status: criteria provided, conflicting classifications (1 of 4 stars). 9 submissions from 9 submitters: Uncertain significance (2); Benign (3); Likely benign (2). 2 of the submissions do not count toward it. Last evaluated 2026-02-01.

Conditions:
Autosomal recessive nonsyndromic hearing loss 77. Identifiers: Orphanet 90636, MedGen C2746083, MONDO:0013119, OMIM 613079.

Allele frequency attached by ClinVar (database versions not stated): ExAC 0.00023; gnomAD 0.00029; 1000 Genomes Project 0.00060; 1000 Genomes Project 30x 0.00094.
gnomAD v4.1: 644 of 1,541,086 alleles (0.042%); highest among the groups gnomAD compares: Admixed American, 0.94%; 10 homozygotes.

Submissions (9):

Labcorp Genetics (formerly Invitae), Labcorp
Classification: Benign. Last evaluated: 2026-02-01. Review status: criteria provided, single submitter. Criteria: Invitae Variant Classification Sherloc (09022015). Collection method: clinical testing. Allele origin: germline.

ARUP Laboratories, Molecular Genetics and Genomics, ARUP Laboratories
Classification: Likely benign for Autosomal recessive nonsyndromic hearing loss 77. Last evaluated: 2023-09-06. Review status: criteria provided, single submitter. Criteria: ARUP Molecular Germline Variant Investigation Process 2024. Collection method: clinical testing. Allele origin: germline.

Athena Diagnostics
Classification: Benign. Last evaluated: 2018-09-12. Review status: criteria provided, single submitter. Criteria: Athena Diagnostics Criteria. Collection method: clinical testing. Allele origin: germline.

GeneDx
Classification: Likely benign. Last evaluated: 2018-01-30. Review status: criteria provided, single submitter. Criteria: GeneDx Variant Classification (06012015). Collection method: clinical testing. Allele origin: germline. Affected: yes.
Comment: This variant is considered likely benign or benign based on one or more of the following criteria: it is a conservative change, it occurs at a poorly conserved position in the protein, it is predicted to be benign by multiple in silico algorithms, and/or has population frequency not consistent with disease.

Illumina Laboratory Services, Illumina
Classification: Uncertain significance for Autosomal recessive nonsyndromic hearing loss 77. Last evaluated: 2018-01-13. Review status: criteria provided, single submitter. Criteria: ICSL Variant Classification Criteria 13 December 2019. Collection method: clinical testing. Allele origin: germline.

Laboratory for Molecular Medicine, Mass General Brigham Personalized Medicine
Classification: Benign. Last evaluated: 2017-05-09. Review status: criteria provided, single submitter. Criteria: LMM Criteria. Collection method: clinical testing. Allele origin: germline. Observed: 11 variant alleles.
Comment: c.5214-3C>T variant in intron 33 of LOXHD1: This variant is not expected to have clinical significance because it does not cause a divergence from the splicing consensus sequence, and computational tools do not suggest an impact to splicing . It has been identified in 1% (310/24788) of Latino chromosomes including 4 ho mozygotes by the Genome Aggregation Database (gnomAD; dbSNP rs528236655).

Eurofins Ntd Llc (ga)
Classification: Uncertain significance. Last evaluated: 2015-05-15. Review status: criteria provided, single submitter. Criteria: EGL Classification Definitions 2015. Collection method: clinical testing. Allele origin: germline. Observed: 1 variant allele, 1 heterozygote.

Natera, Inc.
Classification: Benign for Autosomal recessive deafness type 77. Last evaluated: 2019-10-21. Review status: no assertion criteria provided. Collection method: clinical testing. Allele origin: germline. Not counted in ClinVar's aggregate classification.

Counsyl
Classification: Benign for Autosomal recessive nonsyndromic hearing loss 77. Last evaluated: 2017-11-03. Review status: no assertion criteria provided. Collection method: clinical testing. Allele origin: unknown. Not counted in ClinVar's aggregate classification.

NM_001384474.1(LOXHD1):c.5400-3C>T

Gene: LOXHD1 (lipoxygenase homology PLAT domains 1; minus strand). Cytogenetic location: 18q21.1.
Variant type: single nucleotide variant.
Coding change: c.5400-3C>T on transcript NM_001384474.1 (MANE Select); 3 bases into the intron before coding-DNA position 5400, C replaced by T.
Molecular consequence: intron variant.
Genome position (GRCh38, 1-based): chr18:46,509,818, G>A on the plus strand (C>T on the coding strand, the complement: LOXHD1 is on the minus strand). VCF-style: chr18-46509818-G-A. GRCh37 (hg19) VCF-style: chr18-44089781-G-A.
Other names: c.2067-3C>T (NM_001145472.3); c.1779-3C>T (NM_001308013.2); c.117-3C>T (NM_001173129.2, NM_001145473.3); c.5214-3C>T (NM_144612.7).
Identifiers: ClinVar variation 163897 (VCV000163897.33), dbSNP rs528236655, ClinGen allele CA176614.